The following is an entry in ClinVar:

NM_001378454.1(ALMS1):c.2471C>A (p.Ala824Asp)

Gene: ALMS1 (ALMS1 centrosome and basal body associated protein; plus strand). Cytogenetic location: 2p13.1.
Variant type: single nucleotide variant.
Coding change: c.2471C>A on transcript NM_001378454.1 (MANE Select); coding-DNA position 2471, C replaced by A.
Protein change: p.Ala824Asp; replaces alanine 824 with aspartic acid.
Molecular consequence: missense variant.
Genome position (GRCh38, 1-based): chr2:73,448,998, C>A. VCF-style: chr2-73448998-C-A. GRCh37 (hg19) VCF-style: chr2-73676125-C-A.
Other names: c.2474C>A, p.Ala825Asp (NM_015120.4); short protein forms A824D, A825D.
Identifiers: ClinVar variation 1329616 (VCV001329616.7), dbSNP rs754424459, ClinGen allele CA1713353.
Genomic context (GRCh38, chr2:73,448,998, plus strand): 5'-CAACAGTACCCTCTAGTGCATACTCACACAGAGAGAAGCTCCTTGTTTTCTACCAACAGG[C>A]CTTGCTGGACAGCCATCTACCCGAAGAGGCTCTGAAAGTTTCAGCTGTTTCTGGACCAGC-3'
Protein context (NP_001365383.1, residues 814-834): REKLLVFYQQ[Ala824Asp]LLDSHLPEEA

ClinVar aggregate classification (germline): Uncertain significance. Review status: criteria provided, multiple submitters, no conflicts (2 of 4 stars). 4 submissions from 4 submitters: Uncertain significance (4). Last evaluated 2023-10-19.

Conditions:
Cardiovascular phenotype. Identifiers: MedGen CN230736.
Alstrom syndrome (ALMS). Identifiers: Orphanet 64, MedGen C0268425, MONDO:0008763, OMIM 203800.

Allele frequency attached by ClinVar (database versions not stated): gnomAD exomes 0.00003.
gnomAD v4.1: 39 of 1,613,780 alleles (0.0024%); highest among the groups gnomAD compares: Non-Finnish European, 0.003%; no homozygotes.

Submissions (4):

Women's Health and Genetics/Laboratory Corporation of America, LabCorp
Classification: Uncertain significance. Last evaluated: 2023-10-19. Review status: criteria provided, single submitter. Criteria: LabCorp Variant Classification Summary - May 2015. Collection method: clinical testing. Allele origin: germline.
Comment: Variant summary: ALMS1 c.2468C>A/p.Ala823Asp (also known as c.2474C>A/p.Ala825Asp in RefSeq) results in a non-conservative amino acid change in the encoded protein sequence. Three of four in-silico tools predict a benign effect of the variant on protein function. The variant allele was found at a frequency of 8e-06 in 248980 control chromosomes. The available data on variant occurrences in the general population are insufficient to allow any conclusion about variant significance. To our knowledge, no occurrence of c.2468C>A in individuals affected with Alstrom Syndrome and no experimental evidence demonstrating its impact on protein function have been reported. Three submitters have cited clinical-significance assessments for this variant to ClinVar after 2014. All submitters classified the variant as uncertain significance. Based on the evidence outlined above, the variant was classified as uncertain significance.

Ambry Genetics
Classification: Uncertain significance for Cardiovascular phenotype. Last evaluated: 2022-10-27. Review status: criteria provided, single submitter. Criteria: Ambry Variant Classification Scheme 2023. Collection method: clinical testing. Allele origin: germline.
Comment: The p.A825D variant (also known as c.2474C>A), located in coding exon 8 of the ALMS1 gene, results from a C to A substitution at nucleotide position 2474. The alanine at codon 825 is replaced by aspartic acid, an amino acid with dissimilar properties. This amino acid position is poorly conserved in available vertebrate species. In addition, this alteration is predicted to be tolerated by in silico analysis. Since supporting evidence is limited at this time, the clinical significance of this alteration remains unclear.

Labcorp Genetics (formerly Invitae), Labcorp
Classification: Uncertain significance for Alstrom syndrome. Last evaluated: 2022-03-25. Review status: criteria provided, single submitter. Criteria: Invitae Variant Classification Sherloc (09022015). Collection method: clinical testing. Allele origin: germline.
Comment: This sequence change replaces alanine, which is neutral and non-polar, with aspartic acid, which is acidic and polar, at codon 825 of the ALMS1 protein (p.Ala825Asp). This variant is present in population databases (rs754424459, gnomAD 0.002%). This variant has not been reported in the literature in individuals affected with ALMS1-related conditions. ClinVar contains an entry for this variant (Variation ID: 1329616). Experimental studies and prediction algorithms are not available or were not evaluated, and the functional significance of this variant is currently unknown. In summary, the available evidence is currently insufficient to determine the role of this variant in disease. Therefore, it has been classified as a Variant of Uncertain Significance.

GeneDx
Classification: Uncertain significance. Last evaluated: 2021-06-21. Review status: criteria provided, single submitter. Criteria: GeneDx Variant Classification Process June 2021. Collection method: clinical testing. Allele origin: germline. Affected: yes.
Comment: Not observed at significant frequency in large population cohorts (Lek et al., 2016); In silico analysis supports that this missense variant does not alter protein structure/function; Has not been previously published as pathogenic or benign to our knowledge; This variant is associated with the following publications: (PMID: 27535533)